The following is an entry in ClinVar:

ClinVar aggregate classification (germline): Uncertain significance. Review status: criteria provided, multiple submitters, no conflicts (2 of 4 stars). 2 submissions from 2 submitters: Uncertain significance (2). Last evaluated 2025-08-14.

Allele frequency attached by ClinVar (database versions not stated): gnomAD 0.00003 and 0.00004; TOPMed 0.00003.

Submissions (2):

Labcorp Genetics (formerly Invitae), Labcorp
Classification: Uncertain significance. Last evaluated: 2025-08-14. Review status: criteria provided, single submitter. Criteria: Invitae Variant Classification Sherloc (09022015). Collection method: clinical testing. Allele origin: germline.
Comment: This sequence change replaces isoleucine, which is neutral and non-polar, with valine, which is neutral and non-polar, at codon 896 of the WHRN protein (p.Ile896Val). This variant is present in population databases (rs756666810, gnomAD 0.004%). This variant has not been reported in the literature in individuals affected with WHRN-related conditions. ClinVar contains an entry for this variant (Variation ID: 1024321). An algorithm developed to predict the effect of missense changes on protein structure and function outputs the following: PolyPhen-2: "Benign". The valine amino acid residue is found in multiple mammalian species, which suggests that this missense change does not adversely affect protein function. In summary, the available evidence is currently insufficient to determine the role of this variant in disease. Therefore, it has been classified as a Variant of Uncertain Significance.

Blueprint Genetics
Classification: Uncertain significance. Last evaluated: 2022-10-26. Review status: criteria provided, single submitter. Criteria: ACMG Guidelines, 2015. Collection method: clinical testing. Allele origin: germline.

NM_015404.4(WHRN):c.2686A>G (p.Ile896Val)

Gene: WHRN (whirlin; minus strand). Cytogenetic location: 9q32.
Variant type: single nucleotide variant.
Coding change: c.2686A>G on transcript NM_015404.4 (MANE Select); coding-DNA position 2686, A replaced by G.
Protein change: p.Ile896Val; replaces isoleucine 896 with valine.
Molecular consequence: missense variant.
Genome position (GRCh38, 1-based): chr9:114,402,792, T>C on the plus strand (A>G on the coding strand, the complement: WHRN is on the minus strand). VCF-style: chr9-114402792-T-C. GRCh37 (hg19) VCF-style: chr9-117165072-T-C.
Other names: c.1537A>G, p.Ile513Val (NM_001083885.3); c.2683A>G, p.Ile895Val (NM_001173425.2); c.1633A>G, p.Ile545Val (NM_001346890.1); short protein forms I513V, I545V, I895V, I896V.
Identifiers: ClinVar variation 1024321 (VCV001024321.6), dbSNP rs756666810, ClinGen allele CA5205553.